The following is an entry in ClinVar:

ClinVar aggregate classification (germline): Uncertain significance (1 of 4 stars; one submission).

Allele frequency attached by ClinVar (database versions not stated): gnomAD exomes 0.00002.
gnomAD v4.1: 36 of 1,613,928 alleles (0.0022%); highest among the groups gnomAD compares: Non-Finnish European, 0.0027%; no homozygotes.

Submission:

Labcorp Genetics (formerly Invitae), Labcorp
Classification: Uncertain significance. Last evaluated: 2021-12-29. Review status: criteria provided, single submitter. Criteria: Invitae Variant Classification Sherloc (09022015). Collection method: clinical testing. Allele origin: germline.
Comment: In summary, the available evidence is currently insufficient to determine the role of this variant in disease. Therefore, it has been classified as a Variant of Uncertain Significance. Advanced modeling of protein sequence and biophysical properties (such as structural, functional, and spatial information, amino acid conservation, physicochemical variation, residue mobility, and thermodynamic stability) performed at Invitae indicates that this missense variant is not expected to disrupt PCDH12 protein function. This variant has not been reported in the literature in individuals affected with PCDH12-related conditions. This variant is present in population databases (no rsID available, gnomAD 0.003%). This sequence change replaces serine, which is neutral and polar, with tyrosine, which is neutral and polar, at codon 794 of the PCDH12 protein (p.Ser794Tyr).

NM_016580.4(PCDH12):c.2381C>A (p.Ser794Tyr)

Genes: PCDH12 (protocadherin 12; minus strand), RNF14 (ring finger protein 14; plus strand). Cytogenetic location: 5q31.3.
Variant type: single nucleotide variant.
Coding change: c.2381C>A on transcript NM_016580.4 (MANE Select); coding-DNA position 2381, C replaced by A.
Protein change: p.Ser794Tyr; replaces serine 794 with tyrosine.
Molecular consequence: missense variant.
Genome position (GRCh38, 1-based): chr5:141,955,471, G>T on the plus strand (C>A on the coding strand, the complement: PCDH12 is on the minus strand). VCF-style: chr5-141955471-G-T. GRCh37 (hg19) VCF-style: chr5-141335036-G-T.
Other names: short protein forms S794Y.
Identifiers: ClinVar variation 1962825 (VCV001962825.5), dbSNP rs1261549011, ClinGen allele CA361575628.
Genomic context (GRCh38, chr5:141,955,471, plus strand): 5'-GCCTGCAGGCAGGGGTCCCAGCCTGCTTCCATCATCGCCTCCTTGTCCACATCTTTGTGG[G>T]ACTGCCCGACTTCACAAGGCTCACCTGCCTGACCCCTGAGCACAGGCACGAGGTGGATGT-3'
Protein context (NP_057664.1, residues 784-804): QAGEPCEVGQ[Ser794Tyr]HKDVDKEAMM